The following is an entry in ClinVar:

NM_001379029.1(CERT1):c.113A>G (p.His38Arg)

Gene: CERT1 (ceramide transporter 1; minus strand). Cytogenetic location: 5q13.3.
Variant type: single nucleotide variant.
Coding change: c.113A>G on transcript NM_001379029.1 (MANE Select); coding-DNA position 113, A replaced by G.
Protein change: p.His38Arg; replaces histidine 38 with arginine.
Molecular consequence: missense variant.
Genome position (GRCh38, 1-based): chr5:75,506,100, T>C on the plus strand (A>G on the coding strand, the complement: CERT1 is on the minus strand). VCF-style: chr5-75506100-T-C. GRCh37 (hg19) VCF-style: chr5-74801925-T-C.
Other names: c.497A>G, p.His166Arg (NM_001130105.1); c.113A>G, p.His38Arg (NM_001379002.1, NM_001379003.1, NM_001379004.1 and 2 more transcripts); short protein forms H166R, H38R.
Identifiers: ClinVar variation 1723049 (VCV001723049.3), dbSNP rs773126485, ClinGen allele CA3309341.
Genomic context (GRCh38, chr5:75,506,100, plus strand): 5'-TCAGATTTGTAGTAACTCAGAGCATTATTTTTCAAAACTACCCAACGATCCTGCCACCCA[T>C]GAATGTAGTTTGTCCACTGGGAGTGGGAAGGGGAAGGGAAGAGAGAAGAAAACAAAAAAT-3'
Protein context (NP_001365958.1, residues 28-48): GVLSKWTNYI[His38Arg]GWQDRWVVLK

ClinVar aggregate classification (germline): Uncertain significance (1 of 4 stars; one submission).

Allele frequency attached by ClinVar (database versions not stated): gnomAD exomes below 0.00001; ExAC 0.00001.
gnomAD v4.1: 1 of 1,612,846 alleles (0.000062%); no homozygotes.

Submission:

GeneDx
Classification: Uncertain significance. Last evaluated: 2024-11-25. Review status: criteria provided, single submitter. Criteria: GeneDx Variant Classification Process June 2021. Collection method: clinical testing. Allele origin: germline. Affected: yes.
Comment: In silico analysis supports that this missense variant has a deleterious effect on protein structure/function; Has not been previously published as pathogenic or benign to our knowledge